The following is an entry in ClinVar:

NM_006901.4(MYO9A):c.6336T>A (p.Gly2112=)

Gene: MYO9A (myosin IXA; minus strand). Cytogenetic location: 15q23.
Variant type: single nucleotide variant.
Coding change: c.6336T>A on transcript NM_006901.4 (MANE Select); coding-DNA position 6336, T replaced by A.
Protein change: p.Gly2112=; no amino-acid change (glycine 2112 retained).
Molecular consequence: synonymous variant.
Genome position (GRCh38, 1-based): chr15:71,854,387, A>T on the plus strand (T>A on the coding strand, the complement: MYO9A is on the minus strand). VCF-style: chr15-71854387-A-T. GRCh37 (hg19) VCF-style: chr15-72146728-A-T.
Identifiers: ClinVar variation 711157 (VCV000711157.6), dbSNP rs145718155, ClinGen allele CA7640925.

ClinVar aggregate classification (germline): Benign. Review status: criteria provided, multiple submitters, no conflicts (2 of 4 stars). 3 submissions from 3 submitters: Benign (3). Last evaluated 2025-01-02.

Conditions:
MYO9A-related disorder. Also called: MYO9A-related condition.

Allele frequency attached by ClinVar (database versions not stated): gnomAD exomes 0.00044; 1000 Genomes Project 30x 0.00234; 1000 Genomes Project 0.00240; gnomAD 0.00486 and 0.00541; ESP Exome Variant Server 0.00516; TOPMed 0.00555.
gnomAD v4.1: 1,400 of 1,589,772 alleles (0.088%); highest among the groups gnomAD compares: African/African-American, 1.7%; 17 homozygotes.

Submissions (3):

PreventionGenetics, part of Exact Sciences
Classification: Benign for MYO9A-related condition. Last evaluated: 2025-01-02. Review status: criteria provided, single submitter. Criteria: ACMG Guidelines, 2015. Collection method: clinical testing. Allele origin: germline.
Comment: This variant is classified as benign based on ACMG/AMP sequence variant interpretation guidelines (Richards et al. 2015 PMID: 25741868, with internal and published modifications).

Labcorp Genetics (formerly Invitae), Labcorp
Classification: Benign. Last evaluated: 2019-12-31. Review status: criteria provided, single submitter. Criteria: Invitae Variant Classification Sherloc (09022015). Collection method: clinical testing. Allele origin: germline.

Breakthrough Genomics
Classification: Benign. Review status: criteria provided, single submitter. Criteria: ACMG Guidelines, 2015. Collection method: not provided. Allele origin: germline. Inheritance: Autosomal recessive inheritance. Affected: yes.